The following is an entry in ClinVar:

ClinVar aggregate classification (germline): Uncertain significance. Review status: criteria provided, multiple submitters, no conflicts (2 of 4 stars). 3 submissions from 3 submitters: Uncertain significance (3). Last evaluated 2025-08-08.

Conditions:
Tumoral calcinosis, hyperphosphatemic, familial, 3. Identifiers: MedGen C4693864, MONDO:0060715, OMIM 617994.

Allele frequency attached by ClinVar (database versions not stated): gnomAD exomes 0.00003 and 0.00007; ExAC 0.00005; gnomAD 0.00013 and 0.00014; TOPMed 0.00013; 1000 Genomes Project 0.00060; 1000 Genomes Project 30x 0.00062.
gnomAD v4.1: 57 of 1,614,202 alleles (0.0035%); highest among the groups gnomAD compares: African/African-American, 0.047%; no homozygotes.

Submissions (3):

Ambry Genetics
Classification: Uncertain significance. Last evaluated: 2025-08-08. Review status: criteria provided, single submitter. Criteria: Ambry Variant Classification Scheme 2023. Collection method: clinical testing. Allele origin: germline.

Labcorp Genetics (formerly Invitae), Labcorp
Classification: Uncertain significance. Last evaluated: 2025-07-22. Review status: criteria provided, single submitter. Criteria: Invitae Variant Classification Sherloc (09022015). Collection method: clinical testing. Allele origin: germline.
Comment: This sequence change replaces methionine, which is neutral and non-polar, with isoleucine, which is neutral and non-polar, at codon 588 of the KL protein (p.Met588Ile). This variant is present in population databases (rs543489938, gnomAD 0.05%). This variant has not been reported in the literature in individuals affected with KL-related conditions. ClinVar contains an entry for this variant (Variation ID: 1409686). Invitae Evidence Modeling of protein sequence and biophysical properties (such as structural, functional, and spatial information, amino acid conservation, physicochemical variation, residue mobility, and thermodynamic stability) indicates that this missense variant is not expected to disrupt KL protein function with a negative predictive value of 80%. In summary, the available evidence is currently insufficient to determine the role of this variant in disease. Therefore, it has been classified as a Variant of Uncertain Significance.

Fulgent Genetics
Classification: Uncertain significance for Tumoral calcinosis, hyperphosphatemic, familial, 3. Last evaluated: 2022-05-15. Review status: criteria provided, single submitter. Criteria: ACMG Guidelines, 2015. Collection method: clinical testing. Allele origin: unknown.

NM_004795.4(KL):c.1764G>T (p.Met588Ile)

Gene: KL (klotho; plus strand). Cytogenetic location: 13q13.1.
Variant type: single nucleotide variant.
Coding change: c.1764G>T on transcript NM_004795.4 (MANE Select); coding-DNA position 1764, G replaced by T.
Protein change: p.Met588Ile; replaces methionine 588 with isoleucine.
Molecular consequence: missense variant.
Genome position (GRCh38, 1-based): chr13:33,060,843, G>T. VCF-style: chr13-33060843-G-T. GRCh37 (hg19) VCF-style: chr13-33634980-G-T.
Other names: c.1764G>T (NM_004795.3); short protein forms M588I.
Identifiers: ClinVar variation 1409686 (VCV001409686.8), dbSNP rs543489938, ClinGen allele CA6944173.